The following is an entry in ClinVar:

NM_018191.4(RCBTB1):c.305A>G (p.Asn102Ser)

Gene: RCBTB1 (RCC1 and BTB domain containing protein 1; minus strand). Cytogenetic location: 13q14.2.
Variant type: single nucleotide variant.
Coding change: c.305A>G on transcript NM_018191.4 (MANE Select); coding-DNA position 305, A replaced by G.
Protein change: p.Asn102Ser; replaces asparagine 102 with serine.
Molecular consequence: missense variant. On other transcripts: 5 prime UTR variant (1), non-coding transcript variant (2).
Genome position (GRCh38, 1-based): chr13:49,560,057, T>C on the plus strand (A>G on the coding strand, the complement: RCBTB1 is on the minus strand). VCF-style: chr13-49560057-T-C. GRCh37 (hg19) VCF-style: chr13-50134193-T-C.
Other names: c.305A>G, p.Asn102Ser (NM_001352500.2, NM_001352501.2, NM_001352502.2 and 3 more transcripts); c.-305A>G (NM_001352506.2); short protein forms N102S.
Identifiers: ClinVar variation 1498818 (VCV001498818.6), dbSNP rs773622026, ClinGen allele CA6982921.

ClinVar aggregate classification (germline): Uncertain significance. Review status: criteria provided, multiple submitters, no conflicts (2 of 4 stars). 2 submissions from 2 submitters: Uncertain significance (2). Last evaluated 2025-05-19.

Allele frequency attached by ClinVar (database versions not stated): gnomAD exomes below 0.00001 and 0.00002; ExAC 0.00003.

Submissions (2):

Labcorp Genetics (formerly Invitae), Labcorp
Classification: Uncertain significance. Last evaluated: 2025-05-19. Review status: criteria provided, single submitter. Criteria: Invitae Variant Classification Sherloc (09022015). Collection method: clinical testing. Allele origin: germline.
Comment: This sequence change replaces asparagine, which is neutral and polar, with serine, which is neutral and polar, at codon 102 of the RCBTB1 protein (p.Asn102Ser). This variant is present in population databases (rs773622026, gnomAD 0.01%). This variant has not been reported in the literature in individuals affected with RCBTB1-related conditions. ClinVar contains an entry for this variant (Variation ID: 1498818). Invitae Evidence Modeling of protein sequence and biophysical properties (such as structural, functional, and spatial information, amino acid conservation, physicochemical variation, residue mobility, and thermodynamic stability) indicates that this missense variant is expected to disrupt RCBTB1 protein function with a positive predictive value of 80%. In summary, the available evidence is currently insufficient to determine the role of this variant in disease. Therefore, it has been classified as a Variant of Uncertain Significance.

Blueprint Genetics
Classification: Uncertain significance. Last evaluated: 2024-06-25. Review status: criteria provided, single submitter. Criteria: ACMG Guidelines, 2015. Collection method: clinical testing. Allele origin: germline.